The following is an entry in ClinVar:

ClinVar aggregate classification (germline): Uncertain significance (1 of 4 stars; one submission).

gnomAD v4.1: 27 of 1,614,028 alleles (0.0017%); highest among the groups gnomAD compares: Non-Finnish European, 0.0022%; no homozygotes.

Submission:

Labcorp Genetics (formerly Invitae), Labcorp
Classification: Uncertain significance. Last evaluated: 2025-11-27. Review status: criteria provided, single submitter. Criteria: Invitae Variant Classification Sherloc (09022015). Collection method: clinical testing. Allele origin: germline.
Comment: This sequence change replaces serine, which is neutral and polar, with phenylalanine, which is neutral and non-polar, at codon 63 of the SERPING1 protein (p.Ser63Phe). This variant is present in population databases (rs757332518, gnomAD 0.002%). This variant has not been reported in the literature in individuals affected with SERPING1-related conditions. Invitae Evidence Modeling of protein sequence and biophysical properties (such as structural, functional, and spatial information, amino acid conservation, physicochemical variation, residue mobility, and thermodynamic stability) indicates that this missense variant is not expected to disrupt SERPING1 protein function with a negative predictive value of 95%. In summary, the available evidence is currently insufficient to determine the role of this variant in disease. Therefore, it has been classified as a Variant of Uncertain Significance.

NM_000062.3(SERPING1):c.188C>T (p.Ser63Phe)

Gene: SERPING1 (serpin family G member 1; plus strand). Cytogenetic location: 11q12.1.
Variant type: single nucleotide variant.
Coding change: c.188C>T on transcript NM_000062.3 (MANE Select); coding-DNA position 188, C replaced by T.
Protein change: p.Ser63Phe; replaces serine 63 with phenylalanine.
Molecular consequence: missense variant.
Genome position (GRCh38, 1-based): chr11:57,600,015, C>T. VCF-style: chr11-57600015-C-T. GRCh37 (hg19) VCF-style: chr11-57367488-C-T.
Other names: c.188C>T, p.Ser63Phe (NM_001032295.2); short protein forms S63F.
Identifiers: ClinVar variation 4749032 (VCV004749032.1).
Genomic context (GRCh38, chr11:57,600,015, plus strand): 5'-GGAAGGTCGCAACAACAGTTATCTCCAAGATGCTATTCGTTGAACCCATCCTGGAGGTTT[C>T]CAGCTTGCCGACAACCAACTCAACAACCAATTCAGCCACCAAAATAACAGCTAATACCAC-3'
Protein context (NP_000053.2, residues 53-73): MLFVEPILEV[Ser63Phe]SLPTTNSTTN